The following is an entry in ClinVar:

ClinVar aggregate classification (germline): Conflicting classifications of pathogenicity. Review status: criteria provided, conflicting classifications (1 of 4 stars). 9 submissions from 6 submitters: Uncertain significance (6); Likely benign (2). 1 of the submissions does not count toward it. Last evaluated 2025-02-19.

Conditions:
Familial Mediterranean fever (FMF). Also called: Periodic peritonitis; Benign paroxysmal peritonitis; POLYSEROSITIS, FAMILIAL PAROXYSMAL; POLYSEROSITIS, RECURRENT. Identifiers: Orphanet 342, MedGen C0031069, MONDO:0018088, OMIM 249100. Disease mechanism: gain of function.
Familial Mediterranean fever, autosomal dominant. Also called: FMF, AUTOSOMAL DOMINANT; Dominant Familial Mediterranean Fever. Identifiers: Orphanet 342, MedGen C1851347, MONDO:0007601, OMIM 134610.
Acute febrile neutrophilic dermatosis (AFND). Also called: Sweet Syndrome; Gomm Button disease. Identifiers: Orphanet 3243, MedGen C0085077, MONDO:0011959, OMIM 608068.
MEFV-related disorder. Also called: MEFV-related disorders; MEFV-related condition.

Allele frequency attached by ClinVar (database versions not stated): ExAC 0.00009; ESP Exome Variant Server 0.00023; TOPMed 0.00040; gnomAD 0.00043 and 0.00047; gnomAD exomes 0.00003 and 0.00006.
gnomAD v4.1: 107 of 1,614,098 alleles (0.0066%); highest among the groups gnomAD compares: African/African-American, 0.14%; no homozygotes.

Submissions (9):

PreventionGenetics, part of Exact Sciences
Classification: Uncertain significance for MEFV-related condition. Last evaluated: 2025-02-19. Review status: criteria provided, single submitter. Criteria: ACMG Guidelines, 2015. Collection method: clinical testing. Allele origin: germline.
Comment: The MEFV c.1151T>C variant is predicted to result in the amino acid substitution p.Leu384Pro. To our knowledge, this variant has not been reported in the literature. This variant is reported in 0.12% of alleles in individuals of African descent in gnomAD. At this time, the clinical significance of this variant is uncertain due to the absence of conclusive functional and genetic evidence.

Labcorp Genetics (formerly Invitae), Labcorp
Classification: Uncertain significance for Familial Mediterranean fever. Last evaluated: 2024-12-16. Review status: criteria provided, single submitter. Criteria: Invitae Variant Classification Sherloc (09022015). Collection method: clinical testing. Allele origin: germline.
Comment: This sequence change replaces leucine, which is neutral and non-polar, with proline, which is neutral and non-polar, at codon 384 of the MEFV protein (p.Leu384Pro). This variant is present in population databases (rs139313647, gnomAD 0.1%). This variant has not been reported in the literature in individuals affected with MEFV-related conditions. ClinVar contains an entry for this variant (Variation ID: 663143). An algorithm developed to predict the effect of missense changes on protein structure and function (PolyPhen-2) suggests that this variant is likely to be disruptive. In summary, the available evidence is currently insufficient to determine the role of this variant in disease. Therefore, it has been classified as a Variant of Uncertain Significance.

Fulgent Genetics
Classification: Uncertain significance for Familial Mediterranean fever, autosomal dominant; Familial Mediterranean fever; Acute febrile neutrophilic dermatosis. Last evaluated: 2024-04-04. Review status: criteria provided, single submitter. Criteria: ACMG Guidelines, 2015. Collection method: clinical testing. Allele origin: germline.

Genome-Nilou Lab
Classification: Uncertain significance for Familial Mediterranean fever. Last evaluated: 2023-02-08. Review status: criteria provided, single submitter. Criteria: ACMG Guidelines, 2015. Collection method: clinical testing. Allele origin: germline.

Genome-Nilou Lab
Classification: Likely benign for Familial Mediterranean fever, autosomal dominant. Last evaluated: 2023-02-08. Review status: criteria provided, single submitter. Criteria: ACMG Guidelines, 2015. Collection method: clinical testing. Allele origin: germline.

Genome-Nilou Lab
Classification: Likely benign for Acute febrile neutrophilic dermatosis. Last evaluated: 2023-02-08. Review status: criteria provided, single submitter. Criteria: ACMG Guidelines, 2015. Collection method: clinical testing. Allele origin: germline.

Center for Genomics, Ann and Robert H. Lurie Children's Hospital of Chicago
Classification: Uncertain significance for Acute febrile neutrophilic dermatosis; Familial Mediterranean fever; Familial Mediterranean fever, autosomal dominant. Last evaluated: 2021-03-30. Review status: criteria provided, single submitter. Criteria: ACMG Guidelines, 2015. Collection method: clinical testing. Allele origin: germline.
Comment: MEFV NM_000243.2 exon 3 p.Leu384Pro (c.1151T>C): This variant has not been reported in the literature but is present in 0.1% (31/24962) of African alleles in the Genome Aggregation Database. This variant is present in ClinVar (Variation ID:663143). Evolutionary conservation and computational predictive tools suggest that this variant may impact the protein. In summary, data on this variant is insufficient for disease classification. Therefore, the clinical significance of this variant is uncertain.

Center for Genomics, Ann and Robert H. Lurie Children's Hospital of Chicago
Classification: Uncertain significance for Familial Mediterranean fever, autosomal dominant; Familial Mediterranean fever. Last evaluated: 2019-11-22. Review status: criteria provided, single submitter. Criteria: ACMG Guidelines, 2015. Collection method: clinical testing. Allele origin: germline.
Comment: the same text as in the submission from Center for Genomics, Ann and Robert H. Lurie Children's Hospital of Chicago above.

Natera, Inc.
Classification: Uncertain significance for Familial Mediterranean fever. Last evaluated: 2020-09-16. Review status: no assertion criteria provided. Collection method: clinical testing. Allele origin: germline. Not counted in ClinVar's aggregate classification.

NM_000243.3(MEFV):c.1151T>C (p.Leu384Pro)

Gene: MEFV (MEFV innate immunity regulator, pyrin; minus strand). Cytogenetic location: 16p13.3.
Variant type: single nucleotide variant.
Coding change: c.1151T>C on transcript NM_000243.3 (MANE Select); coding-DNA position 1151, T replaced by C.
Protein change: p.Leu384Pro; replaces leucine 384 with proline.
Molecular consequence: missense variant.
Genome position (GRCh38, 1-based): chr16:3,249,540, A>G on the plus strand (T>C on the coding strand, the complement: MEFV is on the minus strand). VCF-style: chr16-3249540-A-G. GRCh37 (hg19) VCF-style: chr16-3299540-A-G.
Other names: c.518T>C, p.Leu173Pro (NM_001198536.2); short protein forms L384P, L173P.
Identifiers: ClinVar variation 663143 (VCV000663143.12), dbSNP rs139313647, ClinGen allele CA7860226.
Genomic context (GRCh38, chr16:3,249,540, plus strand): 5'-TGCTCCTGACTCAGACTGCAGATGAGGCAGATGGGCTCATCGTGATCCTCACAGAAGAGC[A>G]GCTGGACCTGCTTCAGGTGGCGCTTACACTGTGGCAGGGGCTGGGGGCTTAGGCTTCCCG-3'
Protein context (NP_000234.1, residues 374-394): QCKRHLKQVQ[Leu384Pro]LFCEDHDEPI